The following is an entry in ClinVar:

NM_001348768.2(HECW2):c.1086C>T (p.His362=)

Gene: HECW2 (HECT, C2 and WW domain containing E3 ubiquitin protein ligase 2; minus strand). Cytogenetic location: 2q32.3.
Variant type: single nucleotide variant.
Coding change: c.1086C>T on transcript NM_001348768.2 (MANE Select); coding-DNA position 1086, C replaced by T.
Protein change: p.His362=; no amino-acid change (histidine 362 retained).
Molecular consequence: synonymous variant.
Genome position (GRCh38, 1-based): chr2:196,319,804, G>A on the plus strand (C>T on the coding strand, the complement: HECW2 is on the minus strand). VCF-style: chr2-196319804-G-A. GRCh37 (hg19) VCF-style: chr2-197184528-G-A.
Other names: c.18C>T, p.His6= (NM_001304840.3); c.1086C>T, p.His362= (NM_020760.4).
Identifiers: ClinVar variation 3026267 (VCV003026267.23), dbSNP rs770115826, ClinGen allele CA2038385.

ClinVar aggregate classification (germline): Likely benign. Review status: criteria provided, multiple submitters, no conflicts (2 of 4 stars). 2 submissions from 2 submitters: Likely benign (2). Last evaluated 2026-08-01.

Allele frequency attached by ClinVar (database versions not stated): gnomAD 0.00003; ExAC 0.00004.
gnomAD v4.1: 136 of 1,614,080 alleles (0.0084%); highest among the groups gnomAD compares: Non-Finnish European, 0.0085%; no homozygotes.

Submissions (2):

CeGaT Center for Human Genetics Tuebingen
Classification: Likely benign. Last evaluated: 2026-08-01. Review status: criteria provided, single submitter. Criteria: CeGaT Center For Human Genetics Tuebingen Variant Classification Criteria Version 2. Collection method: clinical testing. Allele origin: germline. Affected: yes. Observed: 2 variant alleles.
Comment: HECW2: BP4, BP7

Blueprint Genetics
Classification: Likely benign. Last evaluated: 2024-01-29. Review status: criteria provided, single submitter. Criteria: ACMG Guidelines, 2015. Collection method: clinical testing. Allele origin: germline.